The following is an entry in ClinVar:

NM_000552.5(VWF):c.2754_2755del (p.Val919fs)

Gene: VWF (von Willebrand factor; minus strand). Cytogenetic location: 12p13.31.
Variant type: Deletion.
Coding change: c.2754_2755del on transcript NM_000552.5 (MANE Select); coding-DNA positions 2754 to 2755, 2 bases deleted (AG; older notation c.2754_2755delAG).
Protein change: p.Val919fs; shifts the reading frame from valine 919.
Molecular consequence: frameshift variant.
Genome position (GRCh38, 1-based): chr12:6,031,509-6,031,510, CT deleted on the plus strand (AG on the coding strand, the reverse complement: VWF is on the minus strand). VCF-style (leftmost placement, unchanged base first): chr12-6031508-ACT-A. GRCh37 (hg19) VCF-style: chr12-6140674-ACT-A.
Other names: short protein forms V919fs.
Identifiers: ClinVar variation 4292650 (VCV004292650.1).

ClinVar aggregate classification (germline): Pathogenic (1 of 4 stars; one submission).

Conditions:
von Willebrand disease type 3 (VWD3). Also called: Type 3 Von Willebrand's disease; Type 3 VWD; Von Willebrand disease, severe form; V WD3; VON WILLEBRAND DISEASE, TYPE III. Identifiers: Orphanet 166096, MedGen C1264041, MONDO:0010191, OMIM 277480.

Submission:

3billion
Classification: Pathogenic for von Willebrand disease type 3. Last evaluated: 2024-12-12. Review status: criteria provided, single submitter. Criteria: ACMG Guidelines, 2015. Collection method: clinical testing. Allele origin: germline. Affected: yes.
Comment: The variant is not observed in the gnomAD v4.1.0 dataset. Predicted Consequence/Location: Frameshift: predicted to result in a loss or disruption of normal protein function through nonsense-mediated decay (NMD) or protein truncation. Multiple pathogenic variants are reported downstream of the variant. Therefore, this variant is classified as Pathogenic according to the recommendation of ACMG/AMP guideline.